The following is an entry in ClinVar:

ClinVar aggregate classification (germline): Uncertain significance. Review status: criteria provided, multiple submitters, no conflicts (2 of 4 stars). 6 submissions from 6 submitters: Uncertain significance (6). Last evaluated 2025-01-19.

Conditions:
Multiple endocrine neoplasia, type 2 (MEN2). Identifiers: Orphanet 653, MedGen C4048306, MONDO:0019003. Disease mechanism: gain of function.
Hirschsprung disease, susceptibility to, 1 (HSCR1). Also called: RET-Related Hirschsprung Disease. Identifiers: Orphanet 388, MedGen C3888239, MONDO:0007723, OMIM 142623.
Hereditary cancer-predisposing syndrome. Also called: Hereditary neoplastic syndrome; Tumor predisposition; Neoplastic Syndromes, Hereditary; Hereditary Cancer Syndrome. Identifiers: Orphanet 140162, MedGen C0027672, MeSH D009386, MONDO:0015356.

Allele frequency attached by ClinVar (database versions not stated): gnomAD exomes below 0.00001 and 0.00001; gnomAD 0.00001.
gnomAD v4.1: 3 of 1,613,896 alleles (0.00019%); highest among the groups gnomAD compares: Admixed American, 0.005%; no homozygotes.

Submissions (6):

Labcorp Genetics (formerly Invitae), Labcorp
Classification: Uncertain significance for Multiple endocrine neoplasia, type 2. Last evaluated: 2025-01-19. Review status: criteria provided, single submitter. Criteria: Invitae Variant Classification Sherloc (09022015). Collection method: clinical testing. Allele origin: germline.
Comment: This sequence change replaces cysteine, which is neutral and slightly polar, with tyrosine, which is neutral and polar, at codon 426 of the RET protein (p.Cys426Tyr). This variant is present in population databases (no rsID available, gnomAD 0.006%). This variant has not been reported in the literature in individuals affected with RET-related conditions. ClinVar contains an entry for this variant (Variation ID: 570796). An algorithm developed to predict the effect of missense changes on protein structure and function (PolyPhen-2) suggests that this variant is likely to be disruptive. In summary, the available evidence is currently insufficient to determine the role of this variant in disease. Therefore, it has been classified as a Variant of Uncertain Significance.

All of Us Research Program, National Institutes of Health
Classification: Uncertain significance for Multiple endocrine neoplasia, type 2. Last evaluated: 2024-03-05. Review status: criteria provided, single submitter. Criteria: ACMG Guidelines, 2015. Collection method: clinical testing. Allele origin: germline. Inheritance: Autosomal dominant inheritance. Observed: 1 variant allele, 1 heterozygote.
Comment: This study involves interpretation of variants in research participants for the purpose of population health screening. Participant phenotype was not available at the time of variant classification. Additional details can be found in publication PMID: 35346344, PMCID: PMC8962531

GeneDx
Classification: Uncertain significance. Last evaluated: 2024-02-02. Review status: criteria provided, single submitter. Criteria: GeneDx Variant Classification Process June 2021. Collection method: clinical testing. Allele origin: germline. Affected: yes.
Comment: Not observed at significant frequency in large population cohorts (gnomAD); In silico analysis supports that this missense variant has a deleterious effect on protein structure/function; Has not been previously published as pathogenic or benign to our knowledge; This variant is associated with the following publications: (PMID: 14633923)

Ambry Genetics
Classification: Uncertain significance for Hereditary cancer-predisposing syndrome. Last evaluated: 2024-01-16. Review status: criteria provided, single submitter. Criteria: Ambry Variant Classification Scheme 2023. Collection method: clinical testing. Allele origin: germline.
Comment: The p.C426Y variant (also known as c.1277G>A), located in coding exon 7 of the RET gene, results from a G to A substitution at nucleotide position 1277. The cysteine at codon 426 is replaced by tyrosine, an amino acid with highly dissimilar properties. This amino acid position is highly conserved in available vertebrate species. In addition, this alteration is predicted to be deleterious by in silico analysis. Since supporting evidence is limited at this time, the clinical significance of this alteration remains unclear.

Baylor Genetics
Classification: Uncertain significance for Hirschsprung disease, susceptibility to, 1. Last evaluated: 2023-08-27. Review status: criteria provided, single submitter. Criteria: ACMG Guidelines, 2015. Collection method: clinical testing. Allele origin: unknown.

Women's Health and Genetics/Laboratory Corporation of America, LabCorp
Classification: Uncertain significance. Last evaluated: 2022-10-17. Review status: criteria provided, single submitter. Criteria: LabCorp Variant Classification Summary - May 2015. Collection method: clinical testing. Allele origin: germline.
Comment: Variant summary: RET c.1277G>A (p.Cys426Tyr) results in a non-conservative amino acid change located in the RET cadherin-like domain 4 (IPR041317) of the encoded protein sequence. Five of five in-silico tools predict a damaging effect of the variant on protein function. The variant allele was found at a frequency of 8e-06 in 250918 control chromosomes. The available data on variant occurrences in the general population are insufficient to allow any conclusion about variant significance. To our knowledge, no occurrence of c.1277G>A in individuals affected with Multiple Endocrine Neoplasia Type 2 and no experimental evidence demonstrating its impact on protein function have been reported. Two clinical diagnostic laboratories have submitted clinical-significance assessments for this variant to ClinVar after 2014 without evidence for independent evaluation. Both laboratories classified the variant as uncertain significance. Based on the evidence outlined above, the variant was classified as uncertain significance.

NM_020975.6(RET):c.1277G>A (p.Cys426Tyr)

Gene: RET (ret proto-oncogene; plus strand). Cytogenetic location: 10q11.21.
Variant type: single nucleotide variant.
Coding change: c.1277G>A on transcript NM_020975.6 (MANE Select); coding-DNA position 1277, G replaced by A.
Protein change: p.Cys426Tyr; replaces cysteine 426 with tyrosine.
Molecular consequence: missense variant.
Genome position (GRCh38, 1-based): chr10:43,111,220, G>A. VCF-style: chr10-43111220-G-A. GRCh37 (hg19) VCF-style: chr10-43606668-G-A.
Other names: c.1277G>A, p.Cys426Tyr (NM_000323.2, NM_001406743.1, NM_001406744.1 and 6 more transcripts); c.515G>A, p.Cys172Tyr (NM_001355216.2); c.1148G>A, p.Cys383Tyr (NM_001406761.1, NM_001406762.1, NM_001406764.1 and 1 more transcripts); c.989G>A, p.Cys330Tyr (NM_001406766.1, NM_001406767.1, NM_001406770.1); c.881G>A, p.Cys294Tyr (NM_001406769.1, NM_001406772.1); c.839G>A, p.Cys280Tyr (NM_001406771.1, NM_001406773.1); c.752G>A, p.Cys251Tyr (NM_001406774.1); c.551G>A, p.Cys184Tyr (NM_001406775.1, NM_001406776.1, NM_001406777.1 and 1 more transcripts); and 1 more; short protein forms C426Y, C172Y, C294Y, C330Y, C251Y, C280Y, C184Y, C383Y.
Identifiers: ClinVar variation 570796 (VCV000570796.18), dbSNP rs1387494484, ClinGen allele CA376548854.